The following is an entry in ClinVar:

ClinVar aggregate classification (germline): Likely benign (0 of 4 stars; one submission).

Conditions:
IKBKG-related disorder. Also called: IKBKG-related condition.

Allele frequency attached by ClinVar (database versions not stated): ExAC 0.00001; gnomAD 0.00002; TOPMed 0.00003; gnomAD exomes 0.00004.
gnomAD v4.1: 54 of 1,166,098 alleles (0.0046%); highest among the groups gnomAD compares: Non-Finnish European, 0.0046%; no homozygotes.

Submission:

PreventionGenetics, part of Exact Sciences
Classification: Likely benign for IKBKG-related condition. Last evaluated: 2022-05-10. Review status: no assertion criteria provided. Collection method: clinical testing. Allele origin: germline.
Comment: This variant is classified as likely benign based on ACMG/AMP sequence variant interpretation guidelines (Richards et al. 2015 PMID: 25741868, with internal and published modifications).

NM_001099857.5(IKBKG):c.60G>A (p.Pro20=)

Gene: IKBKG (inhibitor of nuclear factor kappa B kinase regulatory subunit gamma; plus strand). Cytogenetic location: Xq28.
Variant type: single nucleotide variant.
Coding change: c.60G>A on transcript NM_001099857.5 (MANE Select); coding-DNA position 60, G replaced by A.
Protein change: p.Pro20=; no amino-acid change (proline 20 retained).
Molecular consequence: synonymous variant. On other transcripts: non-coding transcript variant (1).
Genome position (GRCh38, 1-based): chrX:154,552,062, G>A. VCF-style: chrX-154552062-G-A. GRCh37 (hg19) VCF-style: chrX-153780277-G-A.
Other names: c.264G>A, p.Pro88= (NM_001099856.6); c.60G>A, p.Pro20= (NM_001145255.4, NM_001321396.3, NM_001321397.3 and 5 more transcripts).
Identifiers: ClinVar variation 3029787 (VCV003029787.2), dbSNP rs782663126, ClinGen allele CA10566434.